The following is an entry in ClinVar:

ClinVar aggregate classification (germline): Uncertain significance (1 of 4 stars; one submission).

Allele frequency attached by ClinVar (database versions not stated): gnomAD 0.00004; gnomAD exomes 0.00008 and 0.00031; TOPMed 0.00011; ESP Exome Variant Server 0.00015; ExAC 0.00042.

Submission:

Labcorp Genetics (formerly Invitae), Labcorp
Classification: Uncertain significance. Last evaluated: 2025-11-24. Review status: criteria provided, single submitter. Criteria: Invitae Variant Classification Sherloc (09022015). Collection method: clinical testing. Allele origin: germline.
Comment: This sequence change replaces leucine, which is neutral and non-polar, with phenylalanine, which is neutral and non-polar, at codon 399 of the FASTKD2 protein (p.Leu399Phe). This variant is present in population databases (rs149493338, gnomAD 0.2%). This missense change has been observed in individual(s) with myopathy (PMID: 30831263). ClinVar contains an entry for this variant (Variation ID: 1443733). Invitae Evidence Modeling of protein sequence and biophysical properties (such as structural, functional, and spatial information, amino acid conservation, physicochemical variation, residue mobility, and thermodynamic stability) indicates that this missense variant is expected to disrupt FASTKD2 protein function with a positive predictive value of 80%. In summary, the available evidence is currently insufficient to determine the role of this variant in disease. Therefore, it has been classified as a Variant of Uncertain Significance.

Literature cited by the submitters: PubMed 30831263.

NM_001136193.2(FASTKD2):c.1195C>T (p.Leu399Phe)

Gene: FASTKD2 (FAST kinase domains 2; plus strand). Cytogenetic location: 2q33.3.
Variant type: single nucleotide variant.
Coding change: c.1195C>T on transcript NM_001136193.2 (MANE Select); coding-DNA position 1195, C replaced by T.
Protein change: p.Leu399Phe; replaces leucine 399 with phenylalanine.
Molecular consequence: missense variant.
Genome position (GRCh38, 1-based): chr2:206,772,261, C>T. VCF-style: chr2-206772261-C-T. GRCh37 (hg19) VCF-style: chr2-207636985-C-T.
Other names: c.1195C>T, p.Leu399Phe (NM_001136194.2, NM_014929.4); short protein forms L399F.
Identifiers: ClinVar variation 1443733 (VCV001443733.7), dbSNP rs149493338, ClinGen allele CA2075089.